The following is an entry in ClinVar:

ClinVar aggregate classification (germline): Uncertain significance (1 of 4 stars; one submission).

Conditions:
HYPERHOMOCYSTEINEMIA, THROMBOTIC, CBS-RELATED. Identifiers: MedGen C3150344, OMIM 236200.

Submission:

Labcorp Genetics (formerly Invitae), Labcorp
Classification: Uncertain significance for HYPERHOMOCYSTEINEMIA, THROMBOTIC, CBS-RELATED. Last evaluated: 2022-07-05. Review status: criteria provided, single submitter. Criteria: Invitae Variant Classification Sherloc (09022015). Collection method: clinical testing. Allele origin: germline.
Comment: This sequence change replaces glutamic acid, which is acidic and polar, with glycine, which is neutral and non-polar, at codon 289 of the CBS protein (p.Glu289Gly). This variant is not present in population databases (gnomAD no frequency). This variant has not been reported in the literature in individuals affected with CBS-related conditions. ClinVar contains an entry for this variant (Variation ID: 645581). Algorithms developed to predict the effect of missense changes on protein structure and function are either unavailable or do not agree on the potential impact of this missense change (SIFT: "Deleterious"; PolyPhen-2: "Benign"; Align-GVGD: "Class C0"). Algorithms developed to predict the effect of sequence changes on RNA splicing suggest that this variant may create or strengthen a splice site. In summary, the available evidence is currently insufficient to determine the role of this variant in disease. Therefore, it has been classified as a Variant of Uncertain Significance.

NM_000071.3(CBS):c.866A>G (p.Glu289Gly)

Gene: CBS (cystathionine beta-synthase; minus strand). Cytogenetic location: 21q22.3.
Variant type: single nucleotide variant.
Coding change: c.866A>G on transcript NM_000071.3 (MANE Select); coding-DNA position 866, A replaced by G.
Protein change: p.Glu289Gly; replaces glutamic acid 289 with glycine.
Molecular consequence: missense variant.
Genome position (GRCh38, 1-based): chr21:43,063,041, T>C on the plus strand (A>G on the coding strand, the complement: CBS is on the minus strand). VCF-style: chr21-43063041-T-C. GRCh37 (hg19) VCF-style: chr21-44483151-T-C.
Other names: c.866A>G, p.Glu289Gly (NM_001178008.3, NM_001178009.3, NM_001320298.2); c.551A>G, p.Glu184Gly (NM_001321072.1); short protein forms E289G, E184G.
Identifiers: ClinVar variation 645581 (VCV000645581.10), dbSNP rs1601352415, ClinGen allele CA410600118.